The following is an entry in ClinVar:

ClinVar aggregate classification (germline): Pathogenic (1 of 4 stars; one submission).

Submission:

Labcorp Genetics (formerly Invitae), Labcorp
Classification: Pathogenic. Last evaluated: 2021-09-07. Review status: criteria provided, single submitter. Criteria: Invitae Variant Classification Sherloc (09022015). Collection method: clinical testing. Allele origin: germline.
Comment: This sequence change creates a premature translational stop signal (p.Leu152Profs*30) in the TGM1 gene. It is expected to result in an absent or disrupted protein product. Loss-of-function variants in TGM1 are known to be pathogenic (PMID: 18948357, 19241467). This variant is not present in population databases (ExAC no frequency). This variant has not been reported in the literature in individuals affected with TGM1-related conditions. For these reasons, this variant has been classified as Pathogenic.

Literature cited by the submitters: PubMed 18948357; PubMed 19241467.

NM_000359.3(TGM1):c.455del (p.Leu152fs)

Gene: TGM1 (transglutaminase 1; minus strand). Cytogenetic location: 14q12.
Variant type: Deletion.
Coding change: c.455del on transcript NM_000359.3 (MANE Select); coding-DNA position 455, one base deleted (T; older notation c.455delT).
Protein change: p.Leu152fs; shifts the reading frame from leucine 152.
Molecular consequence: frameshift variant.
Genome position (GRCh38, 1-based): chr14:24,261,748, A deleted on the plus strand (T on the coding strand, the reverse complement: TGM1 is on the minus strand). VCF-style (leftmost placement, unchanged base first): chr14-24261747-GA-G. GRCh37 (hg19) VCF-style: chr14-24730953-GA-G.
Other names: short protein forms L152fs.
Identifiers: ClinVar variation 1378703 (VCV001378703.6), dbSNP rs2139027584, ClinGen allele CA2573149817.
Genomic context (GRCh38, chr14:24,261,747, plus strand): 5'-CCACTGACCGATGAGTAACTCAAGGGTGATGCGATCAGAGGATTCATAGGTCCGGGACAG[GA>G]GGAGGAGCATATGGAAAGGCTGCCCGCGGCGCACTATCAGCTCGTCGTACTCATACTCGT-3'